The following is an entry in ClinVar:

NM_001287.6(CLCN7):c.921G>A (p.Gly307=)

Gene: CLCN7 (Cl-/H+ antiporter 7; minus strand). Cytogenetic location: 16p13.3.
Variant type: single nucleotide variant.
Coding change: c.921G>A on transcript NM_001287.6 (MANE Select); coding-DNA position 921, G replaced by A.
Protein change: p.Gly307=; no amino-acid change (glycine 307 retained).
Molecular consequence: synonymous variant.
Genome position (GRCh38, 1-based): chr16:1,455,791, C>T on the plus strand (G>A on the coding strand, the complement: CLCN7 is on the minus strand). VCF-style: chr16-1455791-C-T. GRCh37 (hg19) VCF-style: chr16-1505792-C-T.
Other names: c.849G>A, p.Gly283= (NM_001114331.3).
Identifiers: ClinVar variation 317953 (VCV000317953.16), dbSNP rs114169064, ClinGen allele CA7810510.
Genomic context (GRCh38, chr16:1,455,791, plus strand): 5'-GATCCTCCAGGTCAGGAACTGGTTCCAGAAGGACGCACCCTCCTCCAAGCTGAACAGGAC[C>T]CCACCTGGAAGGCAGGCGGCCGGCTCGGGTGCCAGCTGGACACAGGGCACCATGCCCACC-3'
Protein context (NP_001278.1, residues 297-317): VSAAFGAPVG[Gly307=]VLFSLEEGAS

ClinVar aggregate classification (germline): Benign. Review status: criteria provided, multiple submitters, no conflicts (2 of 4 stars). 3 submissions from 3 submitters: Benign (3). Last evaluated 2026-02-01.

Conditions:
Osteopetrosis. Identifiers: Orphanet 2781, MedGen C0029454, MONDO:0017198, HP:0011002.

Allele frequency attached by ClinVar (database versions not stated): gnomAD exomes 0.00122 and 0.00317; ExAC 0.00410; 1000 Genomes Project 0.01298; gnomAD 0.01310; 1000 Genomes Project 30x 0.01374; TOPMed 0.01475; ESP Exome Variant Server 0.01500.
gnomAD v4.1: 3,796 of 1,613,444 alleles (0.24%); highest among the groups gnomAD compares: African/African-American, 4.5%; 78 homozygotes.

Submissions (3):

Labcorp Genetics (formerly Invitae), Labcorp
Classification: Benign. Last evaluated: 2026-02-01. Review status: criteria provided, single submitter. Criteria: Invitae Variant Classification Sherloc (09022015). Collection method: clinical testing. Allele origin: germline.

Illumina Laboratory Services, Illumina
Classification: Benign for Osteopetrosis. Last evaluated: 2018-01-13. Review status: criteria provided, single submitter. Criteria: ICSL Variant Classification Criteria 13 December 2019. Collection method: clinical testing. Allele origin: germline.
Comment: This variant was observed in the ICSL laboratory as part of a predisposition screen in an ostensibly healthy population. It had not been previously curated by ICSL or reported in the Human Gene Mutation Database (HGMD: prior to June 1st, 2018), and was therefore a candidate for classification through an automated scoring system. Utilizing variant allele frequency, disease prevalence and penetrance estimates, and inheritance mode, an automated score was calculated to assess if this variant is too frequent to cause the disease. Based on the score and internal cut-off values, a variant classified as benign is not then subjected to further curation. The score for this variant resulted in a classification of benign for this disease.

Breakthrough Genomics
Classification: Benign. Review status: criteria provided, single submitter. Criteria: ACMG Guidelines, 2015. Collection method: not provided. Allele origin: germline. Inheritance: Autosomal recessive inheritance. Affected: yes.